The following is an entry in ClinVar:

NM_001466.4(FZD2):c.1462G>A (p.Glu488Lys)

Gene: FZD2 (frizzled class receptor 2; plus strand). Cytogenetic location: 17q21.31.
Variant type: single nucleotide variant.
Coding change: c.1462G>A on transcript NM_001466.4 (MANE Select); coding-DNA position 1462, G replaced by A.
Protein change: p.Glu488Lys; replaces glutamic acid 488 with lysine.
Molecular consequence: missense variant.
Genome position (GRCh38, 1-based): chr17:44,559,150, G>A. VCF-style: chr17-44559150-G-A. GRCh37 (hg19) VCF-style: chr17-42636518-G-A.
Other names: short protein forms E488K.
Identifiers: ClinVar variation 3097660 (VCV003097660.2), dbSNP rs1568105587, ClinGen allele CA399799453.

ClinVar aggregate classification (germline): Uncertain significance. Review status: criteria provided, multiple submitters, no conflicts (2 of 4 stars). 2 submissions from 2 submitters: Uncertain significance (2). Last evaluated 2025-11-24.

Allele frequency attached by ClinVar (database versions not stated): gnomAD exomes below 0.00001; TOPMed below 0.00001; gnomAD 0.00001.

Submissions (2):

Labcorp Genetics (formerly Invitae), Labcorp
Classification: Uncertain significance. Last evaluated: 2025-11-24. Review status: criteria provided, single submitter. Criteria: Invitae Variant Classification Sherloc (09022015). Collection method: clinical testing. Allele origin: germline.
Comment: This sequence change replaces glutamic acid, which is acidic and polar, with lysine, which is basic and polar, at codon 488 of the FZD2 protein (p.Glu488Lys). This variant is not present in population databases (gnomAD no frequency). This variant has not been reported in the literature in individuals affected with FZD2-related conditions. ClinVar contains an entry for this variant (Variation ID: 3097660). Invitae Evidence Modeling of protein sequence and biophysical properties (such as structural, functional, and spatial information, amino acid conservation, physicochemical variation, residue mobility, and thermodynamic stability) indicates that this missense variant is not expected to disrupt FZD2 protein function with a negative predictive value of 80%. In summary, the available evidence is currently insufficient to determine the role of this variant in disease. Therefore, it has been classified as a Variant of Uncertain Significance.

Ambry Genetics
Classification: Uncertain significance. Last evaluated: 2024-02-26. Review status: criteria provided, single submitter. Criteria: Ambry Variant Classification Scheme 2023. Collection method: clinical testing. Allele origin: germline.